The following is an entry in ClinVar:

ClinVar aggregate classification (germline): Uncertain significance. Review status: criteria provided, multiple submitters, no conflicts (2 of 4 stars). 3 submissions from 3 submitters: Uncertain significance (3). Last evaluated 2024-09-11.

Conditions:
Glycogen storage disease IXa1. Also called: LIVER GLYCOGENOSIS, X-LINKED, TYPE I; GLYCOGEN STORAGE DISEASE VIII; GSD VIII; Glycogen storage disease 8. Identifiers: Orphanet 264580, MedGen C3694531, MONDO:0010598, OMIM 306000.
Inborn genetic diseases. Identifiers: MedGen C0950123, MeSH D030342.

Allele frequency attached by ClinVar (database versions not stated): gnomAD exomes 0.00001 and 0.00002; ExAC 0.00002; TOPMed 0.00002; gnomAD 0.00007 and 0.00008; 1000 Genomes Project 30x 0.00021; 1000 Genomes Project 0.00026.
gnomAD v4.1: 30 of 1,208,599 alleles (0.0025%); highest among the groups gnomAD compares: Admixed American, 0.015%; 1 homozygote.

Submissions (3):

Blueprint Genetics
Classification: Uncertain significance. Last evaluated: 2024-09-11. Review status: criteria provided, single submitter. Criteria: ACMG Guidelines, 2015. Collection method: clinical testing. Allele origin: germline.

Ambry Genetics
Classification: Uncertain significance for Inborn genetic diseases. Last evaluated: 2023-08-04. Review status: criteria provided, single submitter. Criteria: Ambry Variant Classification Scheme 2023. Collection method: clinical testing. Allele origin: germline.

Labcorp Genetics (formerly Invitae), Labcorp
Classification: Uncertain significance for Glycogen storage disease IXa1. Last evaluated: 2022-06-05. Review status: criteria provided, single submitter. Criteria: Invitae Variant Classification Sherloc (09022015). Collection method: clinical testing. Allele origin: germline.
Comment: This variant is present in population databases (rs199948654, gnomAD 0.004%). This sequence change replaces valine, which is neutral and non-polar, with isoleucine, which is neutral and non-polar, at codon 889 of the PHKA2 protein (p.Val889Ile). This variant has not been reported in the literature in individuals affected with PHKA2-related conditions. In summary, the available evidence is currently insufficient to determine the role of this variant in disease. Therefore, it has been classified as a Variant of Uncertain Significance. Algorithms developed to predict the effect of missense changes on protein structure and function (SIFT, PolyPhen-2, Align-GVGD) all suggest that this variant is likely to be tolerated. ClinVar contains an entry for this variant (Variation ID: 1476636).

NM_000292.3(PHKA2):c.2665G>A (p.Val889Ile)

Gene: PHKA2 (phosphorylase kinase regulatory subunit alpha 2; minus strand). Cytogenetic location: Xp22.13.
Variant type: single nucleotide variant.
Coding change: c.2665G>A on transcript NM_000292.3 (MANE Select); coding-DNA position 2665, G replaced by A.
Protein change: p.Val889Ile; replaces valine 889 with isoleucine.
Molecular consequence: missense variant.
Genome position (GRCh38, 1-based): chrX:18,906,747, C>T on the plus strand (G>A on the coding strand, the complement: PHKA2 is on the minus strand). VCF-style: chrX-18906747-C-T. GRCh37 (hg19) VCF-style: chrX-18924865-C-T.
Other names: c.2665G>A (NM_000292.2); short protein forms V889I.
Identifiers: ClinVar variation 1476636 (VCV001476636.8), dbSNP rs199948654, ClinGen allele CA10361573.
Genomic context (GRCh38, chrX:18,906,747, plus strand): 5'-CCACTCTGAGGAAGGCTGTGGCCCGACCCCTCCCACACCAGCCCCAGACCTGCGTGAGGA[C>T]GGCAATGCTGATGTCCTGCCCACTGGCCTCGTAGATGAGTTTTGTGAGCTCCTCTGGGGG-3'
Protein context (NP_000283.1, residues 879-899): EASGQDISIA[Val889Ile]LTQEIVVYLA